The following is an entry in ClinVar:

NM_004793.4(LONP1):c.762C>G (p.His254Gln)

Gene: LONP1 (lon peptidase 1, mitochondrial; minus strand). Cytogenetic location: 19p13.3.
Variant type: single nucleotide variant.
Coding change: c.762C>G on transcript NM_004793.4 (MANE Select); coding-DNA position 762, C replaced by G.
Protein change: p.His254Gln; replaces histidine 254 with glutamine.
Molecular consequence: missense variant. On other transcripts: non-coding transcript variant (1).
Genome position (GRCh38, 1-based): chr19:5,711,879, G>C on the plus strand (C>G on the coding strand, the complement: LONP1 is on the minus strand). VCF-style: chr19-5711879-G-C. GRCh37 (hg19) VCF-style: chr19-5711890-G-C.
Other names: c.570C>G, p.His190Gln (NM_001276479.2); c.174C>G, p.His58Gln (NM_001276480.1); short protein forms H254Q, H190Q, H58Q.
Identifiers: ClinVar variation 1354744 (VCV001354744.8), dbSNP rs780991889, ClinGen allele CA9114977.
Genomic context (GRCh38, chr19:5,711,879, plus strand): 5'-CTCCACCATGAGCACCTCAGCCGGGAGCTCAGGGGTGGGCTCCATCGCCAGCTCCGCCGG[G>C]TGCCTGGCGCTCAGCTCGTCCTCCGCCTCCTTCTTGCCCCGCTTTGACTTCCTGCGGGGC-3'
Protein context (NP_004784.2, residues 244-264): KEAEDELSAR[His254Gln]PAELAMEPTP

ClinVar aggregate classification (germline): Uncertain significance (1 of 4 stars; one submission).

gnomAD v4.1: 3 of 1,612,974 alleles (0.00019%); highest among the groups gnomAD compares: Admixed American, 0.005%; no homozygotes.

Submission:

Labcorp Genetics (formerly Invitae), Labcorp
Classification: Uncertain significance. Last evaluated: 2024-09-28. Review status: criteria provided, single submitter. Criteria: Invitae Variant Classification Sherloc (09022015). Collection method: clinical testing. Allele origin: germline.
Comment: This sequence change replaces histidine, which is basic and polar, with glutamine, which is neutral and polar, at codon 254 of the LONP1 protein (p.His254Gln). This variant is present in population databases (rs780991889, gnomAD 0.009%). This variant has not been reported in the literature in individuals affected with LONP1-related conditions. ClinVar contains an entry for this variant (Variation ID: 1354744). An algorithm developed to predict the effect of missense changes on protein structure and function outputs the following: PolyPhen-2: "Benign". The glutamine amino acid residue is found in multiple mammalian species, which suggests that this missense change does not adversely affect protein function. In summary, the available evidence is currently insufficient to determine the role of this variant in disease. Therefore, it has been classified as a Variant of Uncertain Significance.